The following is an entry in ClinVar:

NM_007194.4(CHEK2):c.1568G>A (p.Arg523His)

Gene: CHEK2 (checkpoint kinase 2; minus strand). Cytogenetic location: 22q12.1.
Variant type: single nucleotide variant.
Coding change: c.1568G>A on transcript NM_007194.4 (MANE Select); coding-DNA position 1568, G replaced by A.
Protein change: p.Arg523His; replaces arginine 523 with histidine.
Molecular consequence: missense variant.
Genome position (GRCh38, 1-based): chr22:28,687,961, C>T on the plus strand (G>A on the coding strand, the complement: CHEK2 is on the minus strand). VCF-style: chr22-28687961-C-T. GRCh37 (hg19) VCF-style: chr22-29083949-C-T.
Other names: c.1481G>A, p.Arg494His (NM_145862.3); c.1697G>A, p.Arg566His (NM_001005735.3); c.905G>A, p.Arg302His (NM_001257387.3); c.1367G>A, p.Arg456His (NM_001349956.3); short protein forms R523H, R456H, R302H, R494H, R566H.
Identifiers: ClinVar variation 460810 (VCV000460810.28), dbSNP rs948928965, ClinGen allele CA411091342.
Genomic context (GRCh38, chr22:28,687,961, plus strand): 5'-AACACAGCAGCACACACAGCTGGGCGCTTTGTGGTCTCGGCACCCTCGGCTTCCCCTTCA[C>T]GGGGCCGCTTTCGACTAGTAGAAGGCTGAAAATAAAGGAAAATGGAGAAATGTTCAAAAG-3'
Protein context (NP_009125.1, residues 513-533): AQPSTSRKRP[Arg523His]EGEAEGAETT

ClinVar aggregate classification (germline): Conflicting classifications of pathogenicity. Review status: criteria provided, conflicting classifications (1 of 4 stars). 9 submissions from 9 submitters: Uncertain significance (8); Likely benign (1). Last evaluated 2025-12-08.

Conditions:
Hereditary cancer-predisposing syndrome. Also called: Hereditary neoplastic syndrome; Neoplastic Syndromes, Hereditary; Tumor predisposition; Hereditary Cancer Syndrome. Identifiers: Orphanet 140162, MedGen C0027672, MeSH D009386, MONDO:0015356.
Li-Fraumeni syndrome (LFS). Also called: Sarcoma family syndrome of Li and Fraumeni. Identifiers: Orphanet 524, MedGen C0085390, MONDO:0018875.
Familial cancer of breast. Also called: BREAST CANCER, FAMILIAL; hereditary breast carcinoma; Hereditary breast cancer. Identifiers: Orphanet 227535, MedGen C0346153, MONDO:0016419, OMIM 114480. Disease mechanism: loss of function.

Allele frequency attached by ClinVar (database versions not stated): gnomAD 0.00001; gnomAD exomes 0.00001; TOPMed 0.00002.
gnomAD v4.1: 11 of 1,596,118 alleles (0.00069%); highest among the groups gnomAD compares: African/African-American, 0.0027%; no homozygotes.

Submissions (9):

Labcorp Genetics (formerly Invitae), Labcorp
Classification: Uncertain significance for Familial cancer of breast. Last evaluated: 2025-12-08. Review status: criteria provided, single submitter. Criteria: Invitae Variant Classification Sherloc (09022015). Collection method: clinical testing. Allele origin: germline.
Comment: This sequence change replaces arginine, which is basic and polar, with histidine, which is basic and polar, at codon 523 of the CHEK2 protein (p.Arg523His). The frequency data for this variant in the population databases is considered unreliable, as metrics indicate poor data quality at this position in the gnomAD database. This missense change has been observed in individual(s) with personal or family history of breast and/or ovarian cancer and/or pediatric neuroectodermal tumor (PMID: 31159747, 36468172). ClinVar contains an entry for this variant (Variation ID: 460810). An algorithm developed to predict the effect of missense changes on protein structure and function outputs the following: PolyPhen-2: "Benign". The histidine amino acid residue is found in multiple mammalian species, which suggests that this missense change does not adversely affect protein function. In summary, the available evidence is currently insufficient to determine the role of this variant in disease. Therefore, it has been classified as a Variant of Uncertain Significance.

Color Diagnostics, LLC DBA Color Health
Classification: Uncertain significance for Hereditary cancer-predisposing syndrome. Last evaluated: 2025-11-11. Review status: criteria provided, single submitter. Criteria: ACMG Guidelines, 2015. Collection method: clinical testing. Allele origin: germline.
Comment: This missense variant replaces arginine with histidine at codon 523 of the CHEK2 protein. Computational prediction suggests that this variant may not impact protein structure and function. To our knowledge, functional studies have not been reported for this variant. This variant has been reported in individuals affected with a personal or family history of breast and/or ovarian cancer (PMID: 31159747) and in a pediatric patient affected with a primitive neuroectodermal tumor (PMID: 36468172). It has also been observed in an unaffected control cohort (PMID: 30287823). This variant has been identified in 11/1596118 chromosomes in the general population by the Genome Aggregation Database (gnomAD). The available evidence is insufficient to determine the role of this variant in disease conclusively. Therefore, this variant is classified as a Variant of Uncertain Significance.

Molecular Pathology, Peter Maccallum Cancer Centre
Classification: Uncertain significance for Familial cancer of breast. Last evaluated: 2025-02-12. Review status: criteria provided, single submitter. Criteria: ACMG Guidelines, 2015. Collection method: clinical testing. Allele origin: germline. Inheritance: Autosomal dominant inheritance.

GeneDx
Classification: Uncertain significance. Last evaluated: 2024-07-01. Review status: criteria provided, single submitter. Criteria: GeneDx Variant Classification Process June 2021. Collection method: clinical testing. Allele origin: germline. Affected: yes.
Comment: Not observed at significant frequency in large population cohorts (gnomAD); In silico analysis indicates that this missense variant does not alter protein structure/function; Observed in individuals referred for hereditary cancer genetic testing and in a pediatric patient with a primitive neuroectodermal tumor (PMID: 31159747, 36468172); This variant is associated with the following publications: (PMID: 30287823, 36468172, 36243179, 31159747)

Quest Diagnostics Nichols Institute San Juan Capistrano
Classification: Uncertain significance. Last evaluated: 2023-08-25. Review status: criteria provided, single submitter. Criteria: Quest Diagnostics criteria. Collection method: clinical testing. Allele origin: unknown.
Comment: In the published literature, this variant has been reported in an individual with a personal or family history of breast and/or ovarian cancer (PMID: 31159747 (2019)). However, this variant has also been reported in healthy individuals (PMIDs: 30287823 (2018), 33471991 (2021) see also LOVD, FLOSSIES). The frequency of this variant in the general population, 0.0000086 (2/233408 chromosomes (Genome Aggregation Database)), is uninformative in the assessment of its pathogenicity. Analysis of this variant using bioinformatics tools for the prediction of the effect of amino acid changes on protein structure and function yielded predictions that this variant is benign. Based on the available information, we are unable to determine the clinical significance of this variant.

Department of Pathology and Laboratory Medicine, Sinai Health System
Classification: Uncertain significance for Li-Fraumeni syndrome. Last evaluated: 2023-06-02. Review status: criteria provided, single submitter. Criteria: ACMG Guidelines, 2015. Collection method: clinical testing. Allele origin: germline. Affected: yes.

Sema4
Classification: Uncertain significance for Hereditary cancer-predisposing syndrome. Last evaluated: 2021-09-13. Review status: criteria provided, single submitter. Criteria: Sema4 Curation Guidelines. Collection method: curation. Allele origin: germline.
Comment: The CHEK2 c.1568G>A (p.R523H) variant has been reported in an individual referred for hereditary cancer genetic testing (PMID: 31159747), and was also reported in healthy controls (PMID: 30287823). It was observed in 1/11734 chromosomes of the Finnish subpopulation in the large and broad cohorts of the Genome Aggregation Database (PMID: 32461654). The variant has been reported in ClinVar (Variation ID: 460810). In silico tools suggest the impact of the variant on protein function is benign, though these predictions have not been confirmed by functional studies. The evidence is insufficient to meet ACMG/AMP criteria for classifying the variant as benign or pathogenic. Thus, the clinical significance of this variant is currently uncertain.

Ambry Genetics
Classification: Likely benign for Hereditary cancer-predisposing syndrome. Last evaluated: 2018-11-13. Review status: criteria provided, single submitter. Criteria: Ambry Variant Classification Scheme 2023. Collection method: clinical testing. Allele origin: germline.

GeneKor MSA
Classification: Uncertain significance for Hereditary cancer-predisposing syndrome. Last evaluated: 2018-08-01. Review status: criteria provided, single submitter. Criteria: ACMG Guidelines, 2015. Collection method: clinical testing. Allele origin: germline. Affected: no.

Literature cited by the submitters: PubMed 31159747 (cited by 5 submitters); PubMed 36468172 (cited by Labcorp Genetics (formerly Invitae), Labcorp and Color Diagnostics, LLC DBA Color Health); PubMed 30287823 (cited by 4 submitters); PubMed 33471991 (cited by Quest Diagnostics Nichols Institute San Juan Capistrano).